The following is an entry in ClinVar:

ClinVar aggregate classification (germline): Likely benign. Review status: criteria provided, multiple submitters, no conflicts (2 of 4 stars). 2 submissions from 2 submitters: Likely benign (2). Last evaluated 2018-06-15.

Allele frequency attached by ClinVar (database versions not stated): gnomAD 0.01246 and 0.01173; 1000 Genomes Project 30x 0.01249; TOPMed 0.01388; gnomAD exomes 0.00167; 1000 Genomes Project 0.01238.
gnomAD v4.1: 4,165 of 1,481,284 alleles (0.28%); highest among the groups gnomAD compares: African/African-American, 3.7%; 60 homozygotes.

Submissions (5):

GeneDx
Classification: Likely benign. Last evaluated: 2018-06-15. Review status: criteria provided, single submitter. Criteria: GeneDx Variant Classification (06012015). Collection method: clinical testing. Allele origin: germline. Affected: yes.
Comment: This variant is considered likely benign or benign based on one or more of the following criteria: it is a conservative change, it occurs at a poorly conserved position in the protein, it is predicted to be benign by multiple in silico algorithms, and/or has population frequency not consistent with disease.

Breakthrough Genomics
Classification: Likely benign. Review status: criteria provided, single submitter. Criteria: ACMG Guidelines, 2015. Collection method: not provided. Allele origin: germline. Inheritance: Autosomal dominant inheritance. Affected: yes.

Dr. Peter K. Rogan Lab, Western University
No classification provided (evidence only). Condition: Lung cancer. Review status: no classification provided. Collection method: in vitro. Allele origin: not applicable. Functional consequence: skipped exon. Not counted in ClinVar's aggregate classification.

Dr. Peter K. Rogan Lab, Western University
No classification provided (evidence only). Condition: Uterine corpus endometrial carcinoma. Review status: no classification provided. Collection method: in vitro. Allele origin: not applicable. Functional consequence: retained intron. Not counted in ClinVar's aggregate classification.

Dr. Peter K. Rogan Lab, Western University
No classification provided (evidence only). Condition: Sarcoma. Review status: no classification provided. Collection method: in vitro. Allele origin: not applicable. Functional consequence: retained intron. Not counted in ClinVar's aggregate classification.

NM_000368.5(TSC1):c.2975+127G>T

Gene: TSC1 (TSC complex subunit 1; minus strand). Cytogenetic location: 9q34.13.
Variant type: single nucleotide variant.
Coding change: c.2975+127G>T on transcript NM_000368.5 (MANE Select); 127 bases into the intron after coding-DNA position 2975, G replaced by T.
Molecular consequence: intron variant.
Genome position (GRCh38, 1-based): chr9:132,897,057, C>A on the plus strand (G>T on the coding strand, the complement: TSC1 is on the minus strand). VCF-style: chr9-132897057-C-A. GRCh37 (hg19) VCF-style: chr9-135772444-C-A.
Other names: NC_000009.11:g.135772444C>A; c.2612+127G>T (NM_001362177.2); c.2822+127G>T (NM_001162427.2); c.2972+127G>T (NM_001162426.2).
Identifiers: ClinVar variation 677256 (VCV000677256.3), dbSNP rs113469460, ClinGen allele CA200926185.